The following is an entry in ClinVar:

ClinVar aggregate classification (germline): Uncertain significance (1 of 4 stars; one submission).

Conditions:
Hereditary cancer-predisposing syndrome. Also called: Hereditary neoplastic syndrome; Hereditary Cancer Syndrome; Tumor predisposition; Neoplastic Syndromes, Hereditary. Identifiers: Orphanet 140162, MedGen C0027672, MeSH D009386, MONDO:0015356.

Submission:

Labcorp Genetics (formerly Invitae), Labcorp
Classification: Uncertain significance for Hereditary cancer-predisposing syndrome. Last evaluated: 2021-09-18. Review status: criteria provided, single submitter. Criteria: Invitae Variant Classification Sherloc (09022015). Collection method: clinical testing. Allele origin: germline.
Comment: In summary, the available evidence is currently insufficient to determine the role of this variant in disease. Therefore, it has been classified as a Variant of Uncertain Significance. Algorithms developed to predict the effect of missense changes on protein structure and function are either unavailable or do not agree on the potential impact of this missense change (SIFT: "Tolerated"; PolyPhen-2: "Probably Damaging"; Align-GVGD: "Class C0"). This variant has not been reported in the literature in individuals affected with RAD50-related conditions. This variant is not present in population databases (ExAC no frequency). This sequence change replaces glutamic acid with glutamine at codon 831 of the RAD50 protein (p.Glu831Gln). The glutamic acid residue is highly conserved and there is a small physicochemical difference between glutamic acid and glutamine.

NM_005732.4(RAD50):c.2491G>C (p.Glu831Gln)

Gene: RAD50 (RAD50 double strand break repair protein; plus strand). Cytogenetic location: 5q31.1.
Variant type: single nucleotide variant.
Coding change: c.2491G>C on transcript NM_005732.4 (MANE Select); coding-DNA position 2491, G replaced by C.
Protein change: p.Glu831Gln; replaces glutamic acid 831 with glutamine.
Molecular consequence: missense variant.
Genome position (GRCh38, 1-based): chr5:132,604,013, G>C. VCF-style: chr5-132604013-G-C. GRCh37 (hg19) VCF-style: chr5-131939705-G-C.
Other names: short protein forms E831Q.
Identifiers: ClinVar variation 1519980 (VCV001519980.6), dbSNP rs2149847309, ClinGen allele CA360955773.